The following is an entry in ClinVar:

NM_001330691.3(CEP78):c.957+3A>G

Gene: CEP78 (centrosomal protein 78; plus strand). Cytogenetic location: 9q21.2.
Variant type: single nucleotide variant.
Coding change: c.957+3A>G on transcript NM_001330691.3 (MANE Select); 3 bases into the intron after coding-DNA position 957, A replaced by G.
Molecular consequence: intron variant.
Genome position (GRCh38, 1-based): chr9:78,248,358, A>G. VCF-style: chr9-78248358-A-G. GRCh37 (hg19) VCF-style: chr9-80863274-A-G.
Other names: c.957+3A>G (NM_001349839.2, NM_001349840.2, NM_001330693.3 and 4 more transcripts).
Identifiers: ClinVar variation 3772035 (VCV003772035.13).
Genomic context (GRCh38, chr9:78,248,358, plus strand): 5'-TATGATGAAAGCAGTTATCAAAAAAGTCCTCCAGAATGGAAGGAGTGCCAAATCAGAGGT[A>G]TATCATGTTTTATTTCTCCAGAAAGAATTCTTATTTAATTGCTTTTCTTCTGGGATCTCA-3'

ClinVar aggregate classification (germline): Uncertain significance (1 of 4 stars; one submission).

gnomAD v4.1: 1 of 1,546,090 alleles (0.000065%); highest among the groups gnomAD compares: East Asian, 0.0022%; no homozygotes.

Submission:

CeGaT Center for Human Genetics Tuebingen
Classification: Uncertain significance. Last evaluated: 2024-12-01. Review status: criteria provided, single submitter. Criteria: CeGaT Center For Human Genetics Tuebingen Variant Classification Criteria Version 2. Collection method: clinical testing. Allele origin: germline. Affected: yes. Observed: 1 variant allele.
Comment: CEP78: PM2